The following is an entry in ClinVar:

NM_173660.5(DOK7):c.1127_1156del (p.Pro376_Cys386delinsArg)

Gene: DOK7 (docking protein 7; plus strand). Cytogenetic location: 4p16.3.
Variant type: Deletion.
Coding change: c.1127_1156del on transcript NM_173660.5 (MANE Select); coding-DNA positions 1127 to 1156, 30 bases deleted (CAGCAGCGGGGGCCCCCGAGCCCAGCCTGT).
Protein change: p.Pro376_Cys386delinsArg.
Molecular consequence: inframe indel. On other transcripts: 3 prime UTR variant (1).
Genome position (GRCh38, 1-based): chr4:3,493,113-3,493,142, CAGCAGCGGGGGCCCCCGAGCCCAGCCTGT deleted. VCF-style (leftmost placement, unchanged base first): chr4-3493112-CCAGCAGCGGGGGCCCCCGAGCCCAGCCTGT-C. GRCh37 (hg19) VCF-style: chr4-3494839-CCAGCAGCGGGGGCCCCCGAGCCCAGCCTGT-C.
Other names: c.*348_*377del (NM_001164673.2); c.197_226del, p.Pro66_Cys76delinsArg (NM_001256896.2); c.1127_1156del, p.Pro376_Cys386delinsArg (NM_001301071.2); c.695_724del, p.Pro232_Cys242delinsArg (NM_001363811.2).
Identifiers: ClinVar variation 3602318 (VCV003602318.1).

ClinVar aggregate classification (germline): Uncertain significance (1 of 4 stars; one submission).

Submission:

GeneDx
Classification: Uncertain significance. Last evaluated: 2024-08-01. Review status: criteria provided, single submitter. Criteria: GeneDx Variant Classification Process June 2021. Collection method: clinical testing. Allele origin: germline. Affected: yes.
Comment: Not observed at significant frequency in large population cohorts (gnomAD); In-frame deletion of 11 amino acids and insertion of 1 amino acid in a non-repeat region; In silico analysis supports a deleterious effect on protein structure/function; Has not been previously published as pathogenic or benign to our knowledge